The following is an entry in ClinVar:

NM_000135.4(FANCA):c.3964G>A (p.Val1322Met)

Genes: ZNF276 (zinc finger protein 276; plus strand), FANCA (FA complementation group A; minus strand). Cytogenetic location: 16q24.3.
Variant type: single nucleotide variant.
Coding change: c.3964G>A on transcript NM_000135.4 (MANE Select); coding-DNA position 3964, G replaced by A.
Protein change: p.Val1322Met; replaces valine 1322 with methionine.
Molecular consequence: missense variant. On other transcripts: 3 prime UTR variant (2), non-coding transcript variant (4).
Genome position (GRCh38, 1-based): chr16:89,739,524, C>T on the plus strand (G>A on the coding strand, the complement: FANCA is on the minus strand). VCF-style: chr16-89739524-C-T. GRCh37 (hg19) VCF-style: chr16-89805932-C-T.
Other names: c.3964G>A, p.Val1322Met (NM_001286167.3); c.*1278C>T (NM_001113525.2, NM_152287.4); short protein forms V1322M.
Identifiers: ClinVar variation 3581446 (VCV003581446.2).

ClinVar aggregate classification (germline): Uncertain significance. Review status: criteria provided, multiple submitters, no conflicts (2 of 4 stars). 2 submissions from 2 submitters: Uncertain significance (2). Last evaluated 2025-09-22.

Conditions:
Inborn genetic diseases. Identifiers: MedGen C0950123, MeSH D030342.
Fanconi anemia complementation group A (FANCA). Also called: FANCA-Related Fanconi Anemia; Fanconi anemia, group A. Identifiers: Orphanet 84, MedGen C3469521, MONDO:0009215, OMIM 227650.

gnomAD v4.1: 2 of 1,551,350 alleles (0.00013%); highest among the groups gnomAD compares: Non-Finnish European, 0.00017%; no homozygotes.

Submissions (2):

Ambry Genetics
Classification: Uncertain significance for Inborn genetic diseases. Last evaluated: 2025-09-22. Review status: criteria provided, single submitter. Criteria: Ambry Variant Classification Scheme 2023. Collection method: clinical testing. Allele origin: germline.
Comment: The p.V1322M variant (also known as c.3964G>A), located in coding exon 40 of the FANCA gene, results from a G to A substitution at nucleotide position 3964. The valine at codon 1322 is replaced by methionine, an amino acid with highly similar properties. This amino acid position is conserved. In addition, this alteration is predicted to be tolerated by in silico analysis. Based on the available evidence, the clinical significance of this variant remains unclear.

Fulgent Genetics
Classification: Uncertain significance for Fanconi anemia complementation group A. Last evaluated: 2024-03-27. Review status: criteria provided, single submitter. Criteria: ACMG Guidelines, 2015. Collection method: clinical testing. Allele origin: germline.